The following is an entry in ClinVar:

ClinVar aggregate classification (germline): Uncertain significance. Review status: criteria provided, multiple submitters, no conflicts (2 of 4 stars). 7 submissions from 6 submitters: Uncertain significance (6). 1 of the submissions does not count toward it. Last evaluated 2025-01-08.

Conditions:
Retinitis pigmentosa 39 (RP39). Identifiers: Orphanet 791, MedGen C3151138, MONDO:0013436, OMIM 613809.
Usher syndrome type 2A. Also called: RETINAL DISEASE IN USHER SYNDROME TYPE IIA, MODIFIER OF; USHER SYNDROME, TYPE IIA. Identifiers: Orphanet 231178, Orphanet 886, MedGen C1848634, MONDO:0010169, OMIM 276901.
USH2A-related disorder. Also called: USH2A-related disorders; USH2A-related condition. Identifiers: MedGen CN239332.

Allele frequency attached by ClinVar (database versions not stated): 1000 Genomes Project 30x 0.00031; gnomAD exomes 0.00001 and 0.00003; gnomAD 0.00002; TOPMed 0.00002; ExAC 0.00003; 1000 Genomes Project 0.00020.
gnomAD v4.1: 21 of 1,614,118 alleles (0.0013%); highest among the groups gnomAD compares: Middle Eastern, 0.016%; no homozygotes.

Submissions (7):

PreventionGenetics, part of Exact Sciences
Classification: Uncertain significance for USH2A-related condition. Last evaluated: 2025-01-08. Review status: criteria provided, single submitter. Criteria: ACMG Guidelines, 2015. Collection method: clinical testing. Allele origin: germline.
Comment: The USH2A c.13139C>T variant is predicted to result in the amino acid substitution p.Thr4380Ile. This variant has been reported in an individual with retinitis pigmentosa (Supplementary table 4, Schlottmann et al. 2023. PubMed ID: 37217489). This variant is reported in 0.0087% of alleles in individuals of Latino descent in gnomAD. At this time, the clinical significance of this variant is uncertain due to the absence of conclusive functional and genetic evidence.

Labcorp Genetics (formerly Invitae), Labcorp
Classification: Uncertain significance. Last evaluated: 2024-10-26. Review status: criteria provided, single submitter. Criteria: Invitae Variant Classification Sherloc (09022015). Collection method: clinical testing. Allele origin: germline.
Comment: This sequence change replaces threonine, which is neutral and polar, with isoleucine, which is neutral and non-polar, at codon 4380 of the USH2A protein (p.Thr4380Ile). This variant is present in population databases (rs533179037, gnomAD 0.009%). This variant has not been reported in the literature in individuals affected with USH2A-related conditions. ClinVar contains an entry for this variant (Variation ID: 666953). Invitae Evidence Modeling of protein sequence and biophysical properties (such as structural, functional, and spatial information, amino acid conservation, physicochemical variation, residue mobility, and thermodynamic stability) indicates that this missense variant is not expected to disrupt USH2A protein function with a negative predictive value of 95%. In summary, the available evidence is currently insufficient to determine the role of this variant in disease. Therefore, it has been classified as a Variant of Uncertain Significance.

Blueprint Genetics
Classification: Uncertain significance. Last evaluated: 2024-03-19. Review status: criteria provided, single submitter. Criteria: ACMG Guidelines, 2015. Collection method: clinical testing. Allele origin: germline.

Genome-Nilou Lab
Classification: Uncertain significance for Retinitis pigmentosa 39. Last evaluated: 2023-11-04. Review status: criteria provided, single submitter. Criteria: ACMG Guidelines, 2015. Collection method: clinical testing. Allele origin: germline. Affected: no.

Genome-Nilou Lab
Classification: Uncertain significance for Usher syndrome type 2A. Last evaluated: 2023-11-04. Review status: criteria provided, single submitter. Criteria: ACMG Guidelines, 2015. Collection method: clinical testing. Allele origin: germline. Affected: no.

Laboratory for Molecular Medicine, Mass General Brigham Personalized Medicine
Classification: Uncertain significance. Last evaluated: 2018-08-08. Review status: criteria provided, single submitter. Criteria: LMM Criteria. Collection method: clinical testing. Allele origin: germline. Observed: 1 variant allele.
Comment: The p.Thr4380Ile variant in USH2A has not been previously reported in individual s with hearing loss or Usher syndrome but has been identified in 0.009% (3/33558 ) of Latino chromosomes by the Genome Aggregation Database (gnomAD). Computational prediction tools and conservation analysis suggest that the p.Thr4380Ile variant may not impact the protein, though this in formation is not predictive enough to rule out pathogenicity. In summary, the cl inical significance of the p.Thr4380Ile variant is uncertain. ACMG/AMP Criteria applied: BP4, PM2_Supporting.

Natera, Inc.
Classification: Uncertain significance for Usher syndrome type 2A. Last evaluated: 2020-02-15. Review status: no assertion criteria provided. Collection method: clinical testing. Allele origin: germline. Not counted in ClinVar's aggregate classification.

NM_206933.4(USH2A):c.13139C>T (p.Thr4380Ile)

Gene: USH2A (usherin; minus strand). Cytogenetic location: 1q41.
Variant type: single nucleotide variant.
Coding change: c.13139C>T on transcript NM_206933.4 (MANE Select); coding-DNA position 13139, C replaced by T.
Protein change: p.Thr4380Ile; replaces threonine 4380 with isoleucine.
Molecular consequence: missense variant.
Genome position (GRCh38, 1-based): chr1:215,674,772, G>A on the plus strand (C>T on the coding strand, the complement: USH2A is on the minus strand). VCF-style: chr1-215674772-G-A. GRCh37 (hg19) VCF-style: chr1-215848114-G-A.
Other names: short protein forms T4380I.
Identifiers: ClinVar variation 666953 (VCV000666953.11), dbSNP rs533179037, ClinGen allele CA1393342.